The following is an entry in ClinVar:

NM_001161352.2(KCNMA1):c.802T>C (p.Trp268Arg)

Gene: KCNMA1 (potassium calcium-activated channel subfamily M alpha 1; minus strand). Cytogenetic location: 10q22.3.
Variant type: single nucleotide variant.
Coding change: c.802T>C on transcript NM_001161352.2 (MANE Select); coding-DNA position 802, T replaced by C.
Protein change: p.Trp268Arg; replaces tryptophan 268 with arginine.
Molecular consequence: missense variant.
Genome position (GRCh38, 1-based): chr10:77,183,427, A>G on the plus strand (T>C on the coding strand, the complement: KCNMA1 is on the minus strand). VCF-style: chr10-77183427-A-G. GRCh37 (hg19) VCF-style: chr10-78943185-A-G.
Other names: c.802T>C, p.Trp268Arg (NM_001014797.3, NM_001161353.2, NM_001271519.2 and 7 more transcripts); c.640T>C, p.Trp214Arg (NM_001271518.2); c.262T>C, p.Trp88Arg (NM_001322838.2); short protein forms W214R, W88R, W268R.
Identifiers: ClinVar variation 934665 (VCV000934665.11), dbSNP rs2098818535, ClinGen allele CA377410270.

ClinVar aggregate classification (germline): Uncertain significance. Review status: criteria provided, multiple submitters, no conflicts (2 of 4 stars). 2 submissions from 2 submitters: Uncertain significance (2). Last evaluated 2024-04-04.

Conditions:
Generalized epilepsy-paroxysmal dyskinesia syndrome (PNKD3). Also called: Generalized epilepsy and paroxysmal dyskinesia; Paroxysmal nonkinesigenic dyskinesia, 3, with or without generalized epilepsy. Identifiers: Orphanet 79137, MedGen C5574945, MONDO:0012276, OMIM 609446.

Submissions (2):

GeneDx
Classification: Uncertain significance. Last evaluated: 2024-04-04. Review status: criteria provided, single submitter. Criteria: GeneDx Variant Classification Process June 2021. Collection method: clinical testing. Allele origin: germline. Affected: yes.
Comment: Not observed at significant frequency in large population cohorts (gnomAD); In silico analysis supports that this missense variant has a deleterious effect on protein structure/function; Has not been previously published as pathogenic or benign to our knowledge

Labcorp Genetics (formerly Invitae), Labcorp
Classification: Uncertain significance for Generalized epilepsy-paroxysmal dyskinesia syndrome. Last evaluated: 2019-08-29. Review status: criteria provided, single submitter. Criteria: Invitae Variant Classification Sherloc (09022015). Collection method: clinical testing. Allele origin: germline.
Comment: This variant is not present in population databases (ExAC no frequency). This variant has not been reported in the literature in individuals with KCNMA1-related conditions. Algorithms developed to predict the effect of missense changes on protein structure and function are either unavailable or do not agree on the potential impact of this missense change (SIFT: "Deleterious"; PolyPhen-2: "Probably Damaging"; Align-GVGD: "Class C0"). In summary, the available evidence is currently insufficient to determine the role of this variant in disease. Therefore, it has been classified as a Variant of Uncertain Significance. This sequence change replaces tryptophan with arginine at codon 268 of the KCNMA1 protein (p.Trp268Arg). The tryptophan residue is highly conserved and there is a moderate physicochemical difference between tryptophan and arginine.